The following is an entry in ClinVar:

NM_000214.3(JAG1):c.3281G>A (p.Arg1094Gln)

Gene: JAG1 (jagged canonical Notch ligand 1; minus strand). Cytogenetic location: 20p12.2.
Variant type: single nucleotide variant.
Coding change: c.3281G>A on transcript NM_000214.3 (MANE Select); coding-DNA position 3281, G replaced by A.
Protein change: p.Arg1094Gln; replaces arginine 1094 with glutamine.
Molecular consequence: missense variant.
Genome position (GRCh38, 1-based): chr20:10,639,874, C>T on the plus strand (G>A on the coding strand, the complement: JAG1 is on the minus strand). VCF-style: chr20-10639874-C-T. GRCh37 (hg19) VCF-style: chr20-10620522-C-T.
Other names: c.3281G>A, p.Arg1094Gln (LRG_1191t1); short protein forms R1094Q.
Identifiers: ClinVar variation 468659 (VCV000468659.19), dbSNP rs139629694, ClinGen allele CA9764236.

ClinVar aggregate classification (germline): Conflicting classifications of pathogenicity. Review status: criteria provided, conflicting classifications (1 of 4 stars). 6 submissions from 6 submitters: Uncertain significance (1); Benign (1); Likely benign (3). 1 of the submissions does not count toward it. Last evaluated 2026-06-01.

Conditions:
Cardiovascular phenotype. Identifiers: MedGen CN230736.
Alagille syndrome due to a JAG1 point mutation. Also called: Alagille Syndrome 1; HEPATIC DUCTULAR HYPOPLASIA, SYNDROMATIC; JAG1-Related Alagille Syndrome. Identifiers: Orphanet 261619, Orphanet 52, MedGen C1956125, MONDO:0016862, OMIM 118450.
JAG1-related disorder. Also called: JAG1-related condition; JAG1-related disorders.

Allele frequency attached by ClinVar (database versions not stated): gnomAD 0.00014 and 0.00015; TOPMed 0.00014; gnomAD exomes 0.00016 and 0.00022; ExAC 0.00019; ESP Exome Variant Server 0.00023.
gnomAD v4.1: 330 of 1,614,004 alleles (0.02%); highest among the groups gnomAD compares: Middle Eastern, 0.049%; 1 homozygote.

Submissions (6):

CeGaT Center for Human Genetics Tuebingen
Classification: Likely benign. Last evaluated: 2026-06-01. Review status: criteria provided, single submitter. Criteria: CeGaT Center For Human Genetics Tuebingen Variant Classification Criteria Version 2. Collection method: clinical testing. Allele origin: germline. Affected: yes. Observed: 1 variant allele.
Comment: JAG1: BP4, BS2

Ambry Genetics
Classification: Benign for Cardiovascular phenotype. Last evaluated: 2026-01-23. Review status: criteria provided, single submitter. Criteria: Ambry Variant Classification Scheme 2023. Collection method: clinical testing. Allele origin: germline.

Labcorp Genetics (formerly Invitae), Labcorp
Classification: Likely benign for Alagille syndrome due to a JAG1 point mutation. Last evaluated: 2025-12-21. Review status: criteria provided, single submitter. Criteria: Invitae Variant Classification Sherloc (09022015). Collection method: clinical testing. Allele origin: germline.

Blueprint Genetics
Classification: Likely benign. Last evaluated: 2024-02-08. Review status: criteria provided, single submitter. Criteria: ACMG Guidelines, 2015. Collection method: clinical testing. Allele origin: germline.

GeneDx
Classification: Uncertain significance. Last evaluated: 2020-07-30. Review status: criteria provided, single submitter. Criteria: GeneDx Variant Classification Process June 2021. Collection method: clinical testing. Allele origin: germline. Affected: yes.
Comment: In silico analysis, which includes protein predictors and evolutionary conservation, supports a deleterious effect; Splice predictors suggests this variant may impact gene splicing. In the absence of RNA/functional studies, the actual effect of this sequence change is unknown.; Has not been previously published as pathogenic or benign to our knowledge; This variant is associated with the following publications: (PMID: 32459320)

PreventionGenetics, part of Exact Sciences
Classification: Uncertain significance for JAG1-related condition. Last evaluated: 2024-01-03. Review status: no assertion criteria provided. Collection method: clinical testing. Allele origin: germline. Not counted in ClinVar's aggregate classification.
Comment: The JAG1 c.3281G>A variant is predicted to result in the amino acid substitution p.Arg1094Gln. This variant was reported in an individual with hypothyroidism (Yamaguchi et al 2020. PubMed ID: 32459320). This variant is reported in 0.023% of alleles in individuals of European (Non-Finnish) descent in gnomAD, which is likely too common to be a primary cause of disease. Although we suspect this variant may be benign, at this time, the clinical significance is uncertain due to the absence of conclusive functional and genetic evidence.